The following is an entry in ClinVar:

NM_002180.3(IGHMBP2):c.1235+894C>A

Gene: IGHMBP2 (immunoglobulin mu DNA binding protein 2; plus strand). Cytogenetic location: 11q13.3.
Variant type: single nucleotide variant.
Coding change: c.1235+894C>A on transcript NM_002180.3 (MANE Select); 894 bases into the intron after coding-DNA position 1235, C replaced by A.
Molecular consequence: intron variant.
Genome position (GRCh38, 1-based): chr11:68,930,251, C>A. VCF-style: chr11-68930251-C-A. GRCh37 (hg19) VCF-style: chr11-68697719-C-A.
Identifiers: ClinVar variation 522869 (VCV000522869.9), dbSNP rs1202430946, ClinGen allele CA658797697.
Genomic context (GRCh38, chr11:68,930,251, plus strand): 5'-AAGTTGTCCCTGAGGAATGAAACACTTCTGAGACTCCTGCATCCTGGCCCTCACTTCCAC[C>A]GGGGGAAGATTGATTTCTTCAGATTTCGGTTGCCTTTTGAAACACTTCTCTGTTTCACTG-3'

ClinVar aggregate classification (germline): Pathogenic/Likely pathogenic. Review status: criteria provided, multiple submitters, no conflicts (2 of 4 stars). 3 submissions from 3 submitters: Pathogenic (2); Likely pathogenic (1). Last evaluated 2023-07-09.

Conditions:
Charcot-Marie-Tooth disease axonal type 2S. Also called: CHARCOT-MARIE-TOOTH NEUROPATHY, TYPE 2S; CHARCOT-MARIE-TOOTH DISEASE, AXONAL, AUTOSOMAL RECESSIVE, TYPE 2S. Identifiers: Orphanet 443073, MedGen C4015349, MONDO:0014511, OMIM 616155.
Autosomal recessive distal spinal muscular atrophy 1. Also called: NEURONOPATHY, DISTAL HEREDITARY MOTOR, HARDING TYPE VI; NEUROPATHY, DISTAL HEREDITARY MOTOR, AUTOSOMAL RECESSIVE 1; NEURONOPATHY, SEVERE INFANTILE AXONAL, WITH RESPIRATORY FAILURE; SEVERE INFANTILE AXONAL NEUROPATHY WITH RESPIRATORY FAILURE; SPINAL MUSCULAR ATROPHY, DIAPHRAGMATIC; HMN VI. Identifiers: Orphanet 98920, MedGen C1858517, MONDO:0011436, OMIM 604320.

Submissions (3):

Labcorp Genetics (formerly Invitae), Labcorp
Classification: Likely pathogenic for Autosomal recessive distal spinal muscular atrophy 1; Charcot-Marie-Tooth disease axonal type 2S. Last evaluated: 2023-07-09. Review status: criteria provided, single submitter. Criteria: Invitae Variant Classification Sherloc (09022015). Collection method: clinical testing. Allele origin: germline.
Comment: In summary, the currently available evidence indicates that the variant is pathogenic, but additional data are needed to prove that conclusively. Therefore, this variant has been classified as Likely Pathogenic. Studies have shown that this variant results in activation of a cryptic splice site and introduces a premature termination codon (PMID: 31020813). The resulting mRNA is expected to undergo nonsense-mediated decay. ClinVar contains an entry for this variant (Variation ID: 522869). This variant has been observed in individual(s) with clinical features of Charcot-Marie-Tooth disease (PMID: 31020813, 32190976). In at least one individual the data is consistent with being in trans (on the opposite chromosome) from a pathogenic variant. This variant is not present in population databases (gnomAD no frequency). This sequence change falls in intron 8 of the IGHMBP2 gene. It does not directly change the encoded amino acid sequence of the IGHMBP2 protein. RNA analysis indicates that this variant induces altered splicing and may result in an absent or disrupted protein product.

GeneDx
Classification: Pathogenic. Last evaluated: 2019-10-17. Review status: criteria provided, single submitter. Criteria: GeneDx Variant Classification Process June 2021. Collection method: clinical testing. Allele origin: germline. Affected: yes.
Comment: Non-canonical splice site variant demonstrated to result in loss-of-function (Cassini et al., 2019); Observed in a patient in published literature with Charcot-Marie-Tooth phenotype with early onset symptoms (Cassini et al., 2019); This variant is associated with the following publications: (PMID: 31020813, 32190976)

Undiagnosed Diseases Network, NIH
Classification: Pathogenic for Charcot-Marie-Tooth disease axonal type 2S. Last evaluated: 2017-03-24. Review status: criteria provided, single submitter. Criteria: ACMG Guidelines, 2015. Collection method: research. Allele origin: unknown. Inheritance: Autosomal recessive inheritance. Affected: yes. Observed: 1 variant allele, 1 compound heterozygote. Study: Undiagnosed Diseases Network (NIH), UDN.

Literature cited by the submitters: PubMed 31020813 (cited by Labcorp Genetics (formerly Invitae), Labcorp); PubMed 32190976 (cited by Labcorp Genetics (formerly Invitae), Labcorp).